The following is an entry in ClinVar:

ClinVar aggregate classification (germline): Uncertain significance (1 of 4 stars; one submission).

Conditions:
NRXN3-related disorder. Also called: NRXN3-related condition.

gnomAD v4.1: 3 of 1,526,158 alleles (0.0002%); highest among the groups gnomAD compares: Admixed American, 0.006%; no homozygotes.

Submission:

PreventionGenetics, part of Exact Sciences
Classification: Uncertain significance for NRXN3-related condition. Last evaluated: 2026-01-20. Review status: criteria provided, single submitter. Criteria: ACMG Guidelines, 2015. Collection method: clinical testing. Allele origin: germline.
Comment: The NRXN3 c.1112C>A variant is predicted to result in the amino acid substitution p.Thr371Asn. To our knowledge, this variant, which is intronic on the canonical transcript (NM_004796:c.2885-501C>A), has not been reported in the literature or in a large population database (gnomAD), indicating this variant is rare. At this time, the clinical significance of this variant is uncertain due to the absence of conclusive functional and genetic evidence.

NM_001330195.2(NRXN3):c.4094-180C>A

Gene: NRXN3 (neurexin 3; plus strand). Cytogenetic location: 14q31.1.
Variant type: single nucleotide variant.
Coding change: c.4094-180C>A on transcript NM_001330195.2 (MANE Select); 180 bases into the intron before coding-DNA position 4094, C replaced by A.
Molecular consequence: intron variant. On other transcripts: missense variant (1), non-coding transcript variant (5).
Genome position (GRCh38, 1-based): chr14:79,861,162, C>A. VCF-style: chr14-79861162-C-A. GRCh37 (hg19) VCF-style: chr14-80327505-C-A.
Other names: c.1112C>A, p.Thr371Asn (NM_001272020.2); c.4106-501C>A (NM_001366426.1); c.4004-180C>A (NM_001366425.1); c.2885-501C>A (NM_004796.6); c.1079-501C>A (NM_001105250.3); c.998-501C>A (NM_138970.5); short protein forms T371N.
Identifiers: ClinVar variation 4980605 (VCV004980605.1).